The following is an entry in ClinVar:

ClinVar aggregate classification (germline): Likely pathogenic (1 of 4 stars; one submission).

Conditions:
Cornelia de Lange syndrome 5 (CDLS5). Also called: HDAC8-Related Cornelia de Lange Syndrome. Identifiers: Orphanet 199, MedGen C3550903, MONDO:0010471, OMIM 300882.

Submission:

Labcorp Genetics (formerly Invitae), Labcorp
Classification: Likely pathogenic for Cornelia de Lange syndrome 5. Last evaluated: 2025-03-04. Review status: criteria provided, single submitter. Criteria: Invitae Variant Classification Sherloc (09022015). Collection method: clinical testing. Allele origin: germline.
Comment: This sequence change affects an acceptor splice site in intron 5 of the HDAC8 gene. It is expected to disrupt RNA splicing. Variants that disrupt the donor or acceptor splice site typically lead to a loss of protein function (PMID: 16199547), and loss-of-function variants in HDAC8 are known to be pathogenic (PMID: 19605684, 22885700, 24403048, 25075551, 26671848). This variant is not present in population databases (gnomAD no frequency). This variant has not been reported in the literature in individuals affected with HDAC8-related conditions. Algorithms developed to predict the effect of sequence changes on RNA splicing suggest that this variant may disrupt the consensus splice site. In summary, the currently available evidence indicates that the variant is pathogenic, but additional data are needed to prove that conclusively. Therefore, this variant has been classified as Likely Pathogenic.

Literature cited by the submitters: PubMed 16199547; PubMed 19605684; PubMed 22885700; PubMed 24403048; PubMed 25075551; PubMed 26671848.

NM_018486.3(HDAC8):c.551-1G>C

Gene: HDAC8 (histone deacetylase 8; minus strand). Cytogenetic location: Xq13.1.
Variant type: single nucleotide variant.
Coding change: c.551-1G>C on transcript NM_018486.3 (MANE Select); the canonical splice acceptor site of the intron before coding-DNA position 551, G replaced by C.
Molecular consequence: splice acceptor variant. On other transcripts: intron variant (4).
Genome position (GRCh38, 1-based): chrX:72,491,007, C>G on the plus strand (G>C on the coding strand, the complement: HDAC8 is on the minus strand). VCF-style: chrX-72491007-C-G. GRCh37 (hg19) VCF-style: chrX-71710857-C-G.
Other names: c.278-1G>C (NM_001166418.2, NM_001410728.1); c.438-26276G>C (NM_001441234.1); c.551-1966G>C (NM_001410727.1, NM_001410730.1); c.551-1G>C (NM_001410725.1, NM_001410729.1, NM_001166419.2); c.278-1966G>C (NM_001166448.2).
Identifiers: ClinVar variation 4713278 (VCV004713278.1).